The following is an entry in ClinVar:

NM_001013838.3(CARMIL2):c.520C>T (p.Arg174Ter)

Gene: CARMIL2 (capping protein regulator and myosin 1 linker 2; plus strand). Cytogenetic location: 16q22.1.
Variant type: single nucleotide variant.
Coding change: c.520C>T on transcript NM_001013838.3 (MANE Select); coding-DNA position 520, C replaced by T.
Protein change: p.Arg174Ter; replaces arginine 174 with a stop codon.
Molecular consequence: nonsense.
Genome position (GRCh38, 1-based): chr16:67,646,767, C>T. VCF-style: chr16-67646767-C-T. GRCh37 (hg19) VCF-style: chr16-67680670-C-T.
Other names: c.520C>T, p.Arg174Ter (NM_001317026.3); short protein forms R174*.
Identifiers: ClinVar variation 1177520 (VCV001177520.11), dbSNP rs758210528, ClinGen allele CA8113095.
Genomic context (GRCh38, chr16:67,646,767, plus strand): 5'-TCCCCAGGTGGCTTCTTGGAGACATACGAGGCTCTGTGTGACTACAATGGCTTCCCTTTC[C>T]GAGAGGAGATTCAGTGGGTGAGGGTAGGGCCCTTTTGAAGGGCTCTGGAGACATCTGGTC-3'

ClinVar aggregate classification (germline): Pathogenic/Likely pathogenic. Review status: criteria provided, multiple submitters, no conflicts (2 of 4 stars). 3 submissions from 3 submitters: Pathogenic (2); Likely pathogenic (1). Last evaluated 2025-09-08.

Conditions:
Severe combined immunodeficiency due to CARMIL2 deficiency. Also called: IMMUNODEFICIENCY 58. Identifiers: Orphanet 542301, MedGen C4748304, MONDO:0029134, OMIM 618131.

Allele frequency attached by ClinVar (database versions not stated): gnomAD exomes 0.00001 and below 0.00001; gnomAD 0.00001; ExAC 0.00001; TOPMed 0.00002.
gnomAD v4.1: 13 of 1,613,844 alleles (0.00081%); highest among the groups gnomAD compares: East Asian, 0.0022%; no homozygotes.

Submissions (3):

Labcorp Genetics (formerly Invitae), Labcorp
Classification: Pathogenic. Last evaluated: 2025-09-08. Review status: criteria provided, single submitter. Criteria: Invitae Variant Classification Sherloc (09022015). Collection method: clinical testing. Allele origin: germline.
Comment: This sequence change creates a premature translational stop signal (p.Arg174*) in the CARMIL2 gene. It is expected to result in an absent or disrupted protein product. Loss-of-function variants in CARMIL2 are known to be pathogenic (PMID: 27647349, 28112205). This variant is present in population databases (rs758210528, gnomAD 0.0009%). This variant has not been reported in the literature in individuals affected with CARMIL2-related conditions. ClinVar contains an entry for this variant (Variation ID: 1177520). Algorithms developed to predict the effect of sequence changes on RNA splicing suggest that this variant may disrupt the consensus splice site. For these reasons, this variant has been classified as Pathogenic.

Molecular Genetics, Royal Melbourne Hospital
Classification: Likely pathogenic for Severe combined immunodeficiency due to CARMIL2 deficiency. Last evaluated: 2021-08-10. Review status: criteria provided, single submitter. Criteria: ACMG Guidelines, 2015. Collection method: clinical testing. Allele origin: germline. Affected: yes.
Comment: This sequence change creates a premature termination codon at position 714 in exon 7 (of 38) of CARMIL2 (p.(Arg174*)). It is expected to result in nonsense mediated decay in a gene where loss of function is the mechanism of disease (PMID: 27647349). The variant is present in a single individual in a large population cohort (1/249,292 alleles in gnomAD v2.1), and has not been reported in the relevant medical literature or databases. Based on the classification scheme RMH Modified ACMG Guidelines v1.4.0, this variant is classified as LIKELY PATHOGENIC. Following criteria are met: PVS1, PM2_Supporting.

Kasturba Medical College, Manipal, Kasturba Medical College, Manipal, Manipal Academy of Higher Education, Manipal, India
Classification: Pathogenic for Severe combined immunodeficiency due to CARMIL2 deficiency. Review status: criteria provided, single submitter. Criteria: ACMG Guidelines, 2015. Collection method: clinical testing. Allele origin: germline. Affected: yes. Observed: 1 variant allele, 1 homozygote.

Literature cited by the submitters: PubMed 27647349 (cited by Labcorp Genetics (formerly Invitae), Labcorp and Molecular Genetics, Royal Melbourne Hospital); PubMed 28112205 (cited by Labcorp Genetics (formerly Invitae), Labcorp).